The following is an entry in ClinVar:

NM_003001.5(SDHC):c.183G>A (p.Trp61Ter)

Gene: SDHC (succinate dehydrogenase complex subunit C; plus strand). Cytogenetic location: 1q23.3.
Variant type: single nucleotide variant.
Coding change: c.183G>A on transcript NM_003001.5 (MANE Select); coding-DNA position 183, G replaced by A.
Protein change: p.Trp61Ter; replaces tryptophan 61 with a stop codon.
Molecular consequence: nonsense. On other transcripts: non-coding transcript variant (1).
Genome position (GRCh38, 1-based): chr1:161,340,597, G>A. VCF-style: chr1-161340597-G-A. GRCh37 (hg19) VCF-style: chr1-161310387-G-A.
Other names: c.183G>A, p.Trp61Ter (NM_001035511.3); c.81G>A, p.Trp27Ter (NM_001035512.3, NM_001278172.3, NM_001407118.1); c.24G>A, p.Trp8Ter (NM_001035513.3); c.303G>A, p.Trp101Ter (NM_001407115.1); c.126G>A, p.Trp42Ter (NM_001407116.1, NM_001407117.1, NM_001407121.1); c.72G>A, p.Trp24Ter (NM_001407119.1, NM_001407120.1); short protein forms W101*, W24*, W27*, W42*, W61*, W8*.
Identifiers: ClinVar variation 3223027 (VCV003223027.3), dbSNP rs1571869120, ClinGen allele CA343365639.

ClinVar aggregate classification (germline): Pathogenic. Review status: criteria provided, multiple submitters, no conflicts (2 of 4 stars). 2 submissions from 2 submitters: Pathogenic (2). Last evaluated 2024-12-12.

Conditions:
Hereditary cancer-predisposing syndrome. Also called: Neoplastic Syndromes, Hereditary; Tumor predisposition; Hereditary Cancer Syndrome; Hereditary neoplastic syndrome. Identifiers: Orphanet 140162, MedGen C0027672, MeSH D009386, MONDO:0015356.
Pheochromocytoma/paraganglioma syndrome 3. Also called: GLOMUS TUMORS, FAMILIAL, 3; Paragangliomas 3; SDHC-Related Hereditary Paraganglioma-Pheochromocytoma Syndrome (Paragangliomas 3); SDHC-Related Hereditary Paraganglioma-Pheochromocytoma Syndrome. Identifiers: Orphanet 29072, MedGen C1854336, MONDO:0011544, OMIM 605373.
Gastrointestinal stromal tumor. Also called: Gastrointestinal stromal tumor, somatic; Gastrointestinal stroma tumor. Identifiers: Orphanet 44890, MedGen C0238198, MeSH D046152, MONDO:0011719, OMIM 606764, HP:0100723.

gnomAD v4.1: 1 of 1,613,524 alleles (0.000062%); no homozygotes.

Submissions (2):

Labcorp Genetics (formerly Invitae), Labcorp
Classification: Pathogenic for Pheochromocytoma/paraganglioma syndrome 3; Gastrointestinal stromal tumor. Last evaluated: 2024-12-12. Review status: criteria provided, single submitter. Criteria: Invitae Variant Classification Sherloc (09022015). Collection method: clinical testing. Allele origin: germline.
Comment: This sequence change creates a premature translational stop signal (p.Trp61*) in the SDHC gene. It is expected to result in an absent or disrupted protein product. Loss-of-function variants in SDHC are known to be pathogenic (PMID: 17667967, 19454582, 23282968, 24758179). This variant is not present in population databases (gnomAD no frequency). This premature translational stop signal has been observed in individual(s) with laryngeal paraganglioma (PMID: 18267044). ClinVar contains an entry for this variant (Variation ID: 3223027). For these reasons, this variant has been classified as Pathogenic.

Ambry Genetics
Classification: Pathogenic for Hereditary cancer-predisposing syndrome. Last evaluated: 2023-11-16. Review status: criteria provided, single submitter. Criteria: Ambry Variant Classification Scheme 2023. Collection method: clinical testing. Allele origin: germline.
Comment: The p.W61* pathogenic mutation (also known as c.183G>A), located in coding exon 4 of the SDHC gene, results from a G to A substitution at nucleotide position 183. This changes the amino acid from a tryptophan to a stop codon within coding exon 4. This alteration has been observed in at least one individual with a personal and/or family history that is consistent with SDHC-related disease (Ambry internal data; Garrel R et al. J Laryngol Otol, 2009 Jan;123:141-4). In addition to the clinical data presented in the literature, this alteration is expected to result in loss of function by premature protein truncation or nonsense-mediated mRNA decay. As such, this alteration is interpreted as a disease-causing mutation.

Literature cited by the submitters: PubMed 17667967 (cited by Labcorp Genetics (formerly Invitae), Labcorp); PubMed 19454582 (cited by Labcorp Genetics (formerly Invitae), Labcorp); PubMed 23282968 (cited by Labcorp Genetics (formerly Invitae), Labcorp); PubMed 24758179 (cited by Labcorp Genetics (formerly Invitae), Labcorp); PubMed 18267044 (cited by Labcorp Genetics (formerly Invitae), Labcorp and Ambry Genetics).